The following is an entry in ClinVar:

ClinVar aggregate classification (germline): Likely pathogenic (1 of 4 stars; one submission).

Conditions:
Neurodevelopmental disorder with microcephaly, cortical malformations, and spasticity. Also called: VANDERVORE-SCHOT SYNDROME. Identifiers: MedGen C5231480, MONDO:0032887, OMIM 618730.

Allele frequency attached by ClinVar (database versions not stated): ExAC 0.00002; gnomAD exomes 0.00002; gnomAD 0.00004; TOPMed 0.00004; ESP Exome Variant Server 0.00008.

Submission:

Baylor Genetics
Classification: Likely pathogenic for Neurodevelopmental disorder with microcephaly, cortical malformations, and spasticity. Last evaluated: 2020-04-26. Review status: criteria provided, single submitter. Criteria: ACMG Guidelines, 2015. Collection method: clinical testing. Allele origin: unknown. Affected: yes.
Comment: This variant was determined to be likely pathogenic according to ACMG Guidelines, 2015 [PMID:25741868].

NM_015959.4(TMX2):c.613C>T (p.Arg205Trp)

Genes: TMX2 (thioredoxin related transmembrane protein 2; plus strand), TMX2-CTNND1 (TMX2-CTNND1 readthrough (NMD candidate); plus strand). Cytogenetic location: 11q12.1.
Variant type: single nucleotide variant.
Coding change: c.613C>T on transcript NM_015959.4 (MANE Select); coding-DNA position 613, C replaced by T.
Protein change: p.Arg205Trp; replaces arginine 205 with tryptophan.
Molecular consequence: missense variant. On other transcripts: nonsense (2), non-coding transcript variant (3), intron variant (1).
Genome position (GRCh38, 1-based): chr11:57,739,038, C>T. VCF-style: chr11-57739038-C-T. GRCh37 (hg19) VCF-style: chr11-57506510-C-T.
Other names: c.499C>T, p.Arg167Trp (NM_001144012.3); c.613C>T, p.Arg205Ter (NM_001347890.2); c.529C>T, p.Arg177Trp (NM_001347891.2); c.406C>T, p.Arg136Trp (NM_001347892.2); c.331C>T, p.Arg111Ter (NM_001347893.2); c.331C>T, p.Arg111Trp (NM_001347894.2, NM_001347895.2, NM_001347896.2); c.603+10C>T (NM_001347898.2); short protein forms R111*, R205*, R205W, R111W, R167W, R136W, R177W.
Identifiers: ClinVar variation 1030429 (VCV001030429.1), dbSNP rs377715702, ClinGen allele CA6009678.